The following is an entry in ClinVar:

NM_006265.3(RAD21):c.273A>G (p.Pro91=)

Gene: RAD21 (RAD21 cohesin complex component; minus strand). Cytogenetic location: 8q24.11.
Variant type: single nucleotide variant.
Coding change: c.273A>G on transcript NM_006265.3 (MANE Select); coding-DNA position 273, A replaced by G.
Protein change: p.Pro91=; no amino-acid change (proline 91 retained).
Molecular consequence: synonymous variant.
Genome position (GRCh38, 1-based): chr8:116,863,131, T>C on the plus strand (A>G on the coding strand, the complement: RAD21 is on the minus strand). VCF-style: chr8-116863131-T-C. GRCh37 (hg19) VCF-style: chr8-117875370-T-C.
Identifiers: ClinVar variation 982724 (VCV000982724.3), dbSNP rs1812624997, ClinGen allele CA462504381.
Genomic context (GRCh38, chr8:116,863,131, plus strand): 5'-AAACATGAGAAACTCCAAAGTAAACAACAACAACAAAAACCAAACAAGTTTAACAATACC[T>C]GGCCGAAAAGCCATCTTTATCTTAATGAATGCTTCATTACAGTCTGCAAGAAGGTATTTG-3'
Protein context (NP_006256.1, residues 81-101): AFIKIKMAFR[Pro91=]GVVDLPEENR

ClinVar aggregate classification (germline): Uncertain significance (1 of 4 stars; one submission).

Conditions:
Cornelia de Lange syndrome 4 (CDLS4). Also called: RAD21-Related Cornelia de Lange Syndrome; CORNELIA DE LANGE SYNDROME 4 WITH OR WITHOUT MIDLINE BRAIN DEFECTS. Identifiers: Orphanet 199, MedGen C3553517, MONDO:0013864, OMIM 614701.

Submission:

Institute of Human Genetics, University of Leipzig Medical Center
Classification: Uncertain significance for Cornelia de Lange syndrome 4. Last evaluated: 2023-05-15. Review status: criteria provided, single submitter. Criteria: ACMG Guidelines, 2015. Collection method: clinical testing. Allele origin: unknown, de novo. Affected: yes.
Comment: This variant was identified as de novo (maternity and paternity confirmed).